The following is an entry in ClinVar:

NM_000156.6(GAMT):c.622C>T (p.Arg208Cys)

Gene: GAMT (guanidinoacetate N-methyltransferase; minus strand). Cytogenetic location: 19p13.3.
Variant type: single nucleotide variant.
Coding change: c.622C>T on transcript NM_000156.6 (MANE Select); coding-DNA position 622, C replaced by T.
Protein change: p.Arg208Cys; replaces arginine 208 with cysteine.
Molecular consequence: missense variant.
Genome position (GRCh38, 1-based): chr19:1,397,448, G>A on the plus strand (C>T on the coding strand, the complement: GAMT is on the minus strand). VCF-style: chr19-1397448-G-A. GRCh37 (hg19) VCF-style: chr19-1397447-G-A.
Other names: NM_000156.6(GAMT):c.622C>T; p.Arg208Cys; short protein forms R208C.
Identifiers: ClinVar variation 544261 (VCV000544261.11), dbSNP rs778279369, ClinGen allele CA9043556.

ClinVar aggregate classification (germline): Uncertain significance. Review status: reviewed by expert panel (3 of 4 stars). 4 submissions from 4 submitters: Uncertain significance (1). 3 of the submissions do not count toward it. Last evaluated 2025-04-28.

Conditions:
Cerebral creatine deficiency syndrome. Also called: Creatine deficiency syndromes. Identifiers: Orphanet 79172, MedGen C5244016, MONDO:0000456.
Deficiency of guanidinoacetate methyltransferase (CCDS2). Also called: GAMT DEFICIENCY; CEREBRAL CREATINE DEFICIENCY SYNDROME 2; Guanidinoacetate Methyltransferase (GAMT) Deficiency. Identifiers: Orphanet 382, MedGen C0574080, MONDO:0012999, OMIM 612736.

Allele frequency attached by ClinVar (database versions not stated): gnomAD exomes 0.00003 and 0.00002; TOPMed 0.00001; ExAC 0.00002.
gnomAD v4.1: 29 of 1,610,322 alleles (0.0018%); highest among the groups gnomAD compares: South Asian, 0.0033%; no homozygotes.

Submissions (4):

ClinGen Cerebral Creatine Deficiency Syndromes Variant Curation Expert Panel, ClinGen
Classification: Uncertain significance for Deficiency of guanidinoacetate methyltransferase. Last evaluated: 2025-04-28. Review status: reviewed by expert panel. Criteria: ClinGen CCDS ACMG Specifications GAMT V2.0.0. Collection method: curation. Allele origin: germline. Inheritance: Autosomal recessive inheritance.
Comment: The NM_000156.6:c.622C>T variant in GAMT is a missense variant predicted to cause substitution of arginine by cysteine at amino acid 208 (p.Arg208Cys). The highest continental population minor allele frequency in gnomAD v4.1.0. is 0.00003294 (3/91086 alleles) in the South Asian population, which is lower than the ClinGen CCDS VCEP’s threshold for PM2_Supporting (<0.0004), meeting this criterion (PM2_Supporting). The computational predictor REVEL gives a score of 0.131 which is below the threshold of 0.29, evidence that correlates with no impact to GAMT function (BP4). SpliceAI predicts that the variant has no impact on splicing. Two additional missense variants at this amino acid position have been reported; c.623G>A (p.Arg208His) (ClinVarID: 577478) and c.623G>C (p.Arg208Pro) (PMID 24415674). The ClinGen CCDS VCEP has classified p.Arg208Pro as likely pathogenic, while p.Arg208His has been classified as a VUS (PM5_Supporting). To our knowledge, c.622C>T (p.Arg208Pro) has not been previously reported in the published literature, but has been noted in ClinVar (Variation ID: 544261). In summary, this variant meets the criteria to be classified as a variant of uncertain significance for GAMT deficiency. GAMT-specific ACMG/AMP criteria applied, as specified by the ClinGen CCDS VCEP (Specifications Version 2.0.0: PM2_Supporting, PM5_Supporting, BP4. (Classification approved by the ClinGen CCDS VCEP on April 28, 2025).

Labcorp Genetics (formerly Invitae), Labcorp
Classification: Uncertain significance for Cerebral creatine deficiency syndrome. Last evaluated: 2022-07-12. Review status: criteria provided, single submitter. Criteria: Invitae Variant Classification Sherloc (09022015). Collection method: clinical testing. Allele origin: germline. Not counted in ClinVar's aggregate classification.
Comment: This sequence change replaces arginine, which is basic and polar, with cysteine, which is neutral and slightly polar, at codon 208 of the GAMT protein (p.Arg208Cys). This variant is present in population databases (rs778279369, gnomAD 0.01%). This variant has not been reported in the literature in individuals affected with GAMT-related conditions. ClinVar contains an entry for this variant (Variation ID: 544261). Algorithms developed to predict the effect of missense changes on protein structure and function (SIFT, PolyPhen-2, Align-GVGD) all suggest that this variant is likely to be tolerated. In summary, the available evidence is currently insufficient to determine the role of this variant in disease. Therefore, it has been classified as a Variant of Uncertain Significance.

Illumina Laboratory Services, Illumina
Classification: Uncertain significance for Deficiency of guanidinoacetate methyltransferase. Last evaluated: 2018-01-12. Review status: criteria provided, single submitter. Criteria: ICSL Variant Classification Criteria 13 December 2019. Collection method: clinical testing. Allele origin: germline. Not counted in ClinVar's aggregate classification.

Natera, Inc.
Classification: Uncertain significance for Guanidinoacetate methyltransferase deficiency. Last evaluated: 2019-10-28. Review status: no assertion criteria provided. Collection method: clinical testing. Allele origin: germline. Not counted in ClinVar's aggregate classification.